The following is an entry in ClinVar:

NM_002528.7(NTHL1):c.298G>A (p.Ala100Thr)

Gene: NTHL1 (nth like DNA glycosylase 1; minus strand). Cytogenetic location: 16p13.3.
Variant type: single nucleotide variant.
Coding change: c.298G>A on transcript NM_002528.7 (MANE Select); coding-DNA position 298, G replaced by A.
Protein change: p.Ala100Thr; replaces alanine 100 with threonine.
Molecular consequence: missense variant. On other transcripts: intron variant (1).
Genome position (GRCh38, 1-based): chr16:2,046,184, C>T on the plus strand (G>A on the coding strand, the complement: NTHL1 is on the minus strand). VCF-style: chr16-2046184-C-T. GRCh37 (hg19) VCF-style: chr16-2096185-C-T.
Other names: c.298G>A, p.Ala100Thr (NM_001318193.2); c.24+96G>A (NM_001318194.2); short protein forms A100T.
Identifiers: ClinVar variation 853288 (VCV000853288.15), dbSNP rs772576699, ClinGen allele CA7828327.
Genomic context (GRCh38, chr16:2,046,184, plus strand): 5'-CTACCTTTGGGGGGGCACTGGAGTCATAGCAGTGCTCAGTCCCCAGATGGTCCACAGGTG[C>T]ATCCTTTTTGTTCCTCATGGCACGGATGTTGACCAGCTGTTGCTGCCAGTCCTGGGGCTC-3'
Protein context (NP_002519.2, residues 90-110): NIRAMRNKKD[Ala100Thr]PVDHLGTEHC

ClinVar aggregate classification (germline): Uncertain significance. Review status: criteria provided, multiple submitters, no conflicts (2 of 4 stars). 5 submissions from 5 submitters: Uncertain significance (5). Last evaluated 2025-12-08.

Conditions:
Familial adenomatous polyposis 3. Also called: NTHL1-associated polyposis; NTHL1-related attenuated familial adenomatous polyposis; NTHL1-Related Adenomatous Polyposis and Colorectal Cancer; NTHL1 Tumor Syndrome. Identifiers: Orphanet 220460, Orphanet 454840, MedGen C4225157, MONDO:0014630, OMIM 616415.
Hereditary cancer-predisposing syndrome. Also called: Hereditary Cancer Syndrome; Neoplastic Syndromes, Hereditary; Hereditary neoplastic syndrome; Tumor predisposition. Identifiers: Orphanet 140162, MedGen C0027672, MeSH D009386, MONDO:0015356.

Allele frequency attached by ClinVar (database versions not stated): ExAC 0.00001; gnomAD exomes 0.00001; TOPMed 0.00001; gnomAD 0.00003.
gnomAD v4.1: 14 of 1,613,162 alleles (0.00087%); highest among the groups gnomAD compares: Non-Finnish European, 0.0012%; no homozygotes.

Submissions (5):

Labcorp Genetics (formerly Invitae), Labcorp
Classification: Uncertain significance. Last evaluated: 2025-12-08. Review status: criteria provided, single submitter. Criteria: Invitae Variant Classification Sherloc (09022015). Collection method: clinical testing. Allele origin: germline.
Comment: This sequence change replaces alanine, which is neutral and non-polar, with threonine, which is neutral and polar, at codon 108 of the NTHL1 protein (p.Ala108Thr). This variant is present in population databases (rs772576699, gnomAD 0.002%). This variant has not been reported in the literature in individuals affected with NTHL1-related conditions. ClinVar contains an entry for this variant (Variation ID: 853288). An algorithm developed to predict the effect of missense changes on protein structure and function (PolyPhen-2) suggests that this variant is likely to be disruptive. In summary, the available evidence is currently insufficient to determine the role of this variant in disease. Therefore, it has been classified as a Variant of Uncertain Significance.

Ambry Genetics
Classification: Uncertain significance for Hereditary cancer-predisposing syndrome. Last evaluated: 2024-10-31. Review status: criteria provided, single submitter. Criteria: Ambry Variant Classification Scheme 2023. Collection method: clinical testing. Allele origin: germline.
Comment: The p.A108T variant (also known as c.322G>A), located in coding exon 2 of the NTHL1 gene, results from a G to A substitution at nucleotide position 322. The alanine at codon 108 is replaced by threonine, an amino acid with similar properties. This amino acid position is highly conserved in available vertebrate species. In addition, this alteration is predicted to be deleterious by in silico analysis. Based on the available evidence, the clinical significance of this variant remains unclear.

Blueprint Genetics
Classification: Uncertain significance. Last evaluated: 2024-10-16. Review status: criteria provided, single submitter. Criteria: ACMG Guidelines, 2015. Collection method: clinical testing. Allele origin: germline.

Baylor Genetics
Classification: Uncertain significance for Familial adenomatous polyposis 3. Last evaluated: 2024-02-13. Review status: criteria provided, single submitter. Criteria: ACMG Guidelines, 2015. Collection method: clinical testing. Allele origin: unknown.

Sema4
Classification: Uncertain significance for Hereditary cancer-predisposing syndrome. Last evaluated: 2021-10-19. Review status: criteria provided, single submitter. Criteria: Sema4 Curation Guidelines. Collection method: curation. Allele origin: germline.
Comment: The NTHL1 c.322G>A (p.A108T) variant has not been reported in the literature to our knowledge. It was observed in 3/128834 chromosomes of the Non-Finnish European subpopulation in the large and broad cohorts of the Genome Aggregation Database (PMID: 32461654). The variant has been reported in ClinVar (Variation ID 853288). In silico tools suggest the impact of the variant on protein function is deleterious, though these predictions have not been confirmed by functional studies. The evidence is insufficient to meet ACMG/AMP criteria for classifying the variant as benign or pathogenic. Thus, the clinical significance of this variant is currently uncertain.